The following is an entry in ClinVar:

ClinVar aggregate classification (germline): Uncertain significance (1 of 4 stars; one submission).

Allele frequency attached by ClinVar (database versions not stated): gnomAD 0.00002; TOPMed 0.00002.
gnomAD v4.1: 4 of 1,614,134 alleles (0.00025%); highest among the groups gnomAD compares: African/African-American, 0.0053%; no homozygotes.

Submission:

Labcorp Genetics (formerly Invitae), Labcorp
Classification: Uncertain significance. Last evaluated: 2024-11-11. Review status: criteria provided, single submitter. Criteria: Invitae Variant Classification Sherloc (09022015). Collection method: clinical testing. Allele origin: germline.
Comment: This sequence change replaces cysteine, which is neutral and slightly polar, with tyrosine, which is neutral and polar, at codon 486 of the LRP5 protein (p.Cys486Tyr). This variant is present in population databases (no rsID available, gnomAD 0.02%). This variant has not been reported in the literature in individuals affected with LRP5-related conditions. ClinVar contains an entry for this variant (Variation ID: 1518676). Invitae Evidence Modeling of protein sequence and biophysical properties (such as structural, functional, and spatial information, amino acid conservation, physicochemical variation, residue mobility, and thermodynamic stability) has been performed for this missense variant. However, the output from this modeling did not meet the statistical confidence thresholds required to predict the impact of this variant on LRP5 protein function. In summary, the available evidence is currently insufficient to determine the role of this variant in disease. Therefore, it has been classified as a Variant of Uncertain Significance.

NM_002335.4(LRP5):c.1457G>A (p.Cys486Tyr)

Gene: LRP5 (LDL receptor related protein 5; plus strand). Cytogenetic location: 11q13.2.
Variant type: single nucleotide variant.
Coding change: c.1457G>A on transcript NM_002335.4 (MANE Select); coding-DNA position 1457, G replaced by A.
Protein change: p.Cys486Tyr; replaces cysteine 486 with tyrosine.
Molecular consequence: missense variant. On other transcripts: intron variant (1).
Genome position (GRCh38, 1-based): chr11:68,389,925, G>A. VCF-style: chr11-68389925-G-A. GRCh37 (hg19) VCF-style: chr11-68157393-G-A.
Other names: c.-354+3213G>A (NM_001291902.2); short protein forms C486Y.
Identifiers: ClinVar variation 1518676 (VCV001518676.8), dbSNP rs775971156, ClinGen allele CA381613007.